The following is an entry in ClinVar:

NM_000165.5(GJA1):c.748A>G (p.Thr250Ala)

Gene: GJA1 (gap junction protein alpha 1; plus strand). Cytogenetic location: 6q22.31.
Variant type: single nucleotide variant.
Coding change: c.748A>G on transcript NM_000165.5 (MANE Select); coding-DNA position 748, A replaced by G.
Protein change: p.Thr250Ala; replaces threonine 250 with alanine.
Molecular consequence: missense variant.
Genome position (GRCh38, 1-based): chr6:121,447,595, A>G. VCF-style: chr6-121447595-A-G. GRCh37 (hg19) VCF-style: chr6-121768741-A-G.
Other names: short protein forms T250A.
Identifiers: ClinVar variation 945923 (VCV000945923.7), dbSNP rs769333167, ClinGen allele CA3981743.

ClinVar aggregate classification (germline): Uncertain significance (1 of 4 stars; one submission).

Conditions:
Oculodentodigital dysplasia, autosomal recessive. Also called: OCULODENTOOSSEOUS DYSPLASIA, AUTOSOMAL RECESSIVE; ODDD, AUTOSOMAL RECESSIVE; ODOD, AUTOSOMAL RECESSIVE. Identifiers: Orphanet 2710, MedGen C2749477, MONDO:0009768, OMIM 257850.

Allele frequency attached by ClinVar (database versions not stated): gnomAD exomes below 0.00001; gnomAD 0.00001; ExAC 0.00002; TOPMed 0.00002.
gnomAD v4.1: 2 of 1,613,496 alleles (0.00012%); highest among the groups gnomAD compares: African/African-American, 0.0027%; no homozygotes.

Submission:

Labcorp Genetics (formerly Invitae), Labcorp
Classification: Uncertain significance for Oculodentodigital dysplasia, autosomal recessive. Last evaluated: 2022-05-20. Review status: criteria provided, single submitter. Criteria: Invitae Variant Classification Sherloc (09022015). Collection method: clinical testing. Allele origin: germline.
Comment: In summary, the available evidence is currently insufficient to determine the role of this variant in disease. Therefore, it has been classified as a Variant of Uncertain Significance. Algorithms developed to predict the effect of missense changes on protein structure and function output the following: SIFT: "Tolerated"; PolyPhen-2: "Benign"; Align-GVGD: "Class C0". The alanine amino acid residue is found in multiple mammalian species, which suggests that this missense change does not adversely affect protein function. ClinVar contains an entry for this variant (Variation ID: 945923). This variant has not been reported in the literature in individuals affected with GJA1-related conditions. This variant is present in population databases (rs769333167, gnomAD 0.007%). This sequence change replaces threonine, which is neutral and polar, with alanine, which is neutral and non-polar, at codon 250 of the GJA1 protein (p.Thr250Ala).